The following is an entry in ClinVar:

ClinVar aggregate classification (germline): Pathogenic. Review status: criteria provided, single submitter (1 of 4 stars). 2 submissions from 2 submitters: Pathogenic (1). 1 of the submissions does not count toward it. Last evaluated 2022-12-29.

Conditions:
Hemochromatosis type 1 (HFE1). Also called: HFE-Related Hemochromatosis; HFE-Associated Hereditary Hemochromatosis. Identifiers: Orphanet 465508, MedGen C3469186, MONDO:0021001, OMIM 235200. Disease mechanism: loss of function.
Hereditary hemochromatosis (HFE). Identifiers: MedGen C0392514, MONDO:0006507. Disease mechanism: loss of function.

gnomAD v4.1: 2 of 1,614,190 alleles (0.00012%); highest among the groups gnomAD compares: Non-Finnish European, 0.000085%; no homozygotes.

Submissions (2):

Labcorp Genetics (formerly Invitae), Labcorp
Classification: Pathogenic for Hereditary hemochromatosis. Last evaluated: 2022-12-29. Review status: criteria provided, single submitter. Criteria: Invitae Variant Classification Sherloc (09022015). Collection method: clinical testing. Allele origin: germline.
Comment: For these reasons, this variant has been classified as Pathogenic. ClinVar contains an entry for this variant (Variation ID: 88946). This premature translational stop signal has been observed in individuals with hemochromatosis (PMID: 10930379). This variant is not present in population databases (gnomAD no frequency). This sequence change creates a premature translational stop signal (p.Glu168*) in the HFE gene. It is expected to result in an absent or disrupted protein product. Loss-of-function variants in HFE are known to be pathogenic (PMID: 27518069).

GeneReviews
No classification provided. Condition: Hemochromatosis type 1. Review status: no classification provided. Collection method: literature only. Allele origin: germline. Not counted in ClinVar's aggregate classification.

Literature cited by the submitters: PubMed 10930379 (cited by Labcorp Genetics (formerly Invitae), Labcorp and GeneReviews); PubMed 27518069 (cited by Labcorp Genetics (formerly Invitae), Labcorp).

NM_000410.4(HFE):c.502G>T (p.Glu168Ter)

Gene: HFE (homeostatic iron regulator; plus strand). Cytogenetic location: 6p22.2.
Variant type: single nucleotide variant.
Coding change: c.502G>T on transcript NM_000410.4 (MANE Select); coding-DNA position 502, G replaced by T.
Protein change: p.Glu168Ter; replaces glutamic acid 168 with a stop codon.
Molecular consequence: nonsense. On other transcripts: intron variant (4).
Genome position (GRCh38, 1-based): chr6:26,091,475, G>T. VCF-style: chr6-26091475-G-T. GRCh37 (hg19) VCF-style: chr6-26091703-G-T.
Other names: c.502G>T, p.Glu168Ter (NM_001300749.3, NM_001384164.1, NM_001406751.1 and 1 more transcripts); c.238G>T, p.Glu80Ter (NM_001406752.1, NM_139007.3, NM_139008.3); c.433G>T, p.Glu145Ter (NM_139009.3); c.340+371G>T (NM_139004.3, NM_139003.3); c.77-1210G>T (NM_139010.3); c.77-1644G>T (NM_139011.3); short protein forms E168*, E145*, E80*.
Identifiers: ClinVar variation 88946 (VCV000088946.10), dbSNP rs146519482, ClinGen allele CA346923.